The following is an entry in ClinVar:

ClinVar aggregate classification (germline): Uncertain significance (1 of 4 stars; one submission).

Conditions:
Immunodeficiency 39 (IMD39). Identifiers: Orphanet 574918, MedGen C4225358, MONDO:0014597, OMIM 616345.

Allele frequency attached by ClinVar (database versions not stated): gnomAD 0.00001; TOPMed 0.00001; gnomAD exomes 0.00001.
gnomAD v4.1: 17 of 1,611,338 alleles (0.0011%); highest among the groups gnomAD compares: Non-Finnish European, 0.0014%; no homozygotes.

Submission:

Labcorp Genetics (formerly Invitae), Labcorp
Classification: Uncertain significance for Immunodeficiency 39. Last evaluated: 2025-06-22. Review status: criteria provided, single submitter. Criteria: Invitae Variant Classification Sherloc (09022015). Collection method: clinical testing. Allele origin: germline.
Comment: This sequence change replaces glycine, which is neutral and non-polar, with alanine, which is neutral and non-polar, at codon 190 of the IRF7 protein (p.Gly190Ala). This variant is present in population databases (no rsID available, gnomAD 0.002%). This variant has not been reported in the literature in individuals affected with IRF7-related conditions. ClinVar contains an entry for this variant (Variation ID: 2955905). Invitae Evidence Modeling of protein sequence and biophysical properties (such as structural, functional, and spatial information, amino acid conservation, physicochemical variation, residue mobility, and thermodynamic stability) indicates that this missense variant is not expected to disrupt IRF7 protein function with a negative predictive value of 80%. In summary, the available evidence is currently insufficient to determine the role of this variant in disease. Therefore, it has been classified as a Variant of Uncertain Significance.

NM_001572.5(IRF7):c.530G>C (p.Gly177Ala)

Gene: IRF7 (interferon regulatory factor 7; minus strand). Cytogenetic location: 11p15.5.
Variant type: single nucleotide variant.
Coding change: c.530G>C on transcript NM_001572.5 (MANE Select); coding-DNA position 530, G replaced by C.
Protein change: p.Gly177Ala; replaces glycine 177 with alanine.
Molecular consequence: missense variant.
Genome position (GRCh38, 1-based): chr11:614,323, C>G on the plus strand (G>C on the coding strand, the complement: IRF7 is on the minus strand). VCF-style: chr11-614323-C-G. GRCh37 (hg19) VCF-style: chr11-614323-C-G.
Other names: c.530G>C, p.Gly177Ala (NM_004029.4); c.569G>C, p.Gly190Ala (NM_004031.4); short protein forms G177A, G190A.
Identifiers: ClinVar variation 2955905 (VCV002955905.3), dbSNP rs1239137691, ClinGen allele CA378982055.